The following is an entry in ClinVar:

ClinVar aggregate classification (germline): Benign/Likely benign. Review status: criteria provided, multiple submitters, no conflicts (2 of 4 stars). 4 submissions from 4 submitters: Benign (1); Likely benign (3). Last evaluated 2025-08-30.

Conditions:
Peutz-Jeghers syndrome (PJS). Also called: Peutz-Jeghers polyposis; Periorificial lentiginosis syndrome; POLYPOSIS, HAMARTOMATOUS INTESTINAL; POLYPS-AND-SPOTS SYNDROME. Identifiers: Orphanet 2869, MedGen C0031269, MeSH D010580, MONDO:0008280, OMIM 175200.
Hereditary cancer-predisposing syndrome. Also called: Neoplastic Syndromes, Hereditary; Hereditary neoplastic syndrome; Hereditary Cancer Syndrome; Tumor predisposition. Identifiers: Orphanet 140162, MedGen C0027672, MeSH D009386, MONDO:0015356.

gnomAD v4.1: 15 of 1,610,860 alleles (0.00093%); highest among the groups gnomAD compares: African/African-American, 0.0027%; no homozygotes.

Submissions (4):

Labcorp Genetics (formerly Invitae), Labcorp
Classification: Likely benign for Peutz-Jeghers syndrome. Last evaluated: 2025-08-30. Review status: criteria provided, single submitter. Criteria: Invitae Variant Classification Sherloc (09022015). Collection method: clinical testing. Allele origin: germline.

Myriad Genetics, Inc.
Classification: Benign for Peutz-Jeghers syndrome. Last evaluated: 2025-03-28. Review status: criteria provided, single submitter. Criteria: Myriad Autosomal Dominant, Autosomal Recessive and X-Linked Classification Criteria (2023). Collection method: clinical testing. Allele origin: unknown.
Comment: This variant is considered benign. This variant is a silent/synonymous amino acid change and it is not expected to impact splicing.

All of Us Research Program, National Institutes of Health
Classification: Likely benign for Peutz-Jeghers syndrome. Last evaluated: 2024-07-29. Review status: criteria provided, single submitter. Criteria: ACMG Guidelines, 2015. Collection method: clinical testing. Allele origin: germline. Inheritance: Autosomal dominant inheritance. Observed: 1 variant allele, 1 heterozygote.
Comment: This study involves interpretation of variants in research participants for the purpose of population health screening. Participant phenotype was not available at the time of variant classification. Additional details can be found in publication PMID: 35346344, PMCID: PMC8962531

Ambry Genetics
Classification: Likely benign for Hereditary cancer-predisposing syndrome. Last evaluated: 2022-01-25. Review status: criteria provided, single submitter. Criteria: Ambry Variant Classification Scheme 2023. Collection method: clinical testing. Allele origin: germline.

NM_000455.5(STK11):c.1030C>T (p.Leu344=)

Genes: STK11 (serine/threonine kinase 11; plus strand), LOC130062899 (ATAC-STARR-seq lymphoblastoid active region 13597; plus strand). Cytogenetic location: 19p13.3.
Variant type: single nucleotide variant.
Coding change: c.1030C>T on transcript NM_000455.5 (MANE Select); coding-DNA position 1030, C replaced by T.
Protein change: p.Leu344=; no amino-acid change (leucine 344 retained).
Molecular consequence: synonymous variant.
Genome position (GRCh38, 1-based): chr19:1,223,094, C>T. VCF-style: chr19-1223094-C-T. GRCh37 (hg19) VCF-style: chr19-1223093-C-T.
Identifiers: ClinVar variation 1579372 (VCV001579372.12), dbSNP rs2145431096, ClinGen allele CA504707778.